The following is an entry in ClinVar:

NM_003672.4(CDC14A):c.547_552del (p.Ile183_Val184del)

Gene: CDC14A (cell division cycle 14A; plus strand). Cytogenetic location: 1p21.2.
Variant type: Deletion.
Coding change: c.547_552del on transcript NM_003672.4 (MANE Select); coding-DNA positions 547 to 552, 6 bases deleted (ATTGTT; older notation c.547_552delATTGTT).
Protein change: p.Ile183_Val184del.
Molecular consequence: inframe deletion. On other transcripts: intron variant (1).
Genome position (GRCh38, 1-based): chr1:100,455,432-100,455,437, ATTGTT deleted. VCF-style (leftmost placement, unchanged base first): chr1-100455431-GATTGTT-G. GRCh37 (hg19) VCF-style: chr1-100920987-GATTGTT-G.
Other names: c.547_552del, p.Ile183_Val184del (NM_033312.3, NM_033313.3, NM_001319210.2); c.-272-7219_-272-7214del (NM_001319212.2); c.373_378del, p.Ile125_Val126del (NM_001319211.2).
Identifiers: ClinVar variation 2791343 (VCV002791343.3), dbSNP rs2524299424, ClinGen allele CA2739275145.

ClinVar aggregate classification (germline): Uncertain significance (1 of 4 stars; one submission).

Submission:

Labcorp Genetics (formerly Invitae), Labcorp
Classification: Uncertain significance. Last evaluated: 2023-12-20. Review status: criteria provided, single submitter. Criteria: Invitae Variant Classification Sherloc (09022015). Collection method: clinical testing. Allele origin: germline.
Comment: This variant, c.547_552del, results in the deletion of 2 amino acid(s) of the CDC14A protein (p.Ile183_Val184del), but otherwise preserves the integrity of the reading frame. This variant is not present in population databases (gnomAD no frequency). This variant has not been reported in the literature in individuals affected with CDC14A-related conditions. Experimental studies and prediction algorithms are not available or were not evaluated, and the functional significance of this variant is currently unknown. In summary, the available evidence is currently insufficient to determine the role of this variant in disease. Therefore, it has been classified as a Variant of Uncertain Significance.